The following is an entry in ClinVar:

ClinVar aggregate classification (germline): Uncertain significance. Review status: criteria provided, multiple submitters, no conflicts (2 of 4 stars). 2 submissions from 2 submitters: Uncertain significance (2). Last evaluated 2025-09-01.

Conditions:
Inborn genetic diseases. Identifiers: MedGen C0950123, MeSH D030342.

Allele frequency attached by ClinVar (database versions not stated): gnomAD exomes 0.00001; TOPMed 0.00002.
gnomAD v4.1: 9 of 1,614,140 alleles (0.00056%); highest among the groups gnomAD compares: Admixed American, 0.005%; no homozygotes.

Submissions (2):

Ambry Genetics
Classification: Uncertain significance for Inborn genetic diseases. Last evaluated: 2025-09-01. Review status: criteria provided, single submitter. Criteria: Ambry Variant Classification Scheme 2023. Collection method: clinical testing. Allele origin: germline.

Labcorp Genetics (formerly Invitae), Labcorp
Classification: Uncertain significance. Last evaluated: 2022-07-26. Review status: criteria provided, single submitter. Criteria: Invitae Variant Classification Sherloc (09022015). Collection method: clinical testing. Allele origin: germline.
Comment: In summary, the available evidence is currently insufficient to determine the role of this variant in disease. Therefore, it has been classified as a Variant of Uncertain Significance. Algorithms developed to predict the effect of missense changes on protein structure and function are either unavailable or do not agree on the potential impact of this missense change (SIFT: "Tolerated"; PolyPhen-2: "Possibly Damaging"; Align-GVGD: "Class C0"). This variant has not been reported in the literature in individuals affected with LAMA1-related conditions. This variant is present in population databases (no rsID available, gnomAD 0.003%). This sequence change replaces asparagine, which is neutral and polar, with serine, which is neutral and polar, at codon 676 of the LAMA1 protein (p.Asn676Ser).

NM_005559.4(LAMA1):c.2027A>G (p.Asn676Ser)

Gene: LAMA1 (laminin subunit alpha 1; minus strand). Cytogenetic location: 18p11.31.
Variant type: single nucleotide variant.
Coding change: c.2027A>G on transcript NM_005559.4 (MANE Select); coding-DNA position 2027, A replaced by G.
Protein change: p.Asn676Ser; replaces asparagine 676 with serine.
Molecular consequence: missense variant.
Genome position (GRCh38, 1-based): chr18:7,034,503, T>C on the plus strand (A>G on the coding strand, the complement: LAMA1 is on the minus strand). VCF-style: chr18-7034503-T-C. GRCh37 (hg19) VCF-style: chr18-7034502-T-C.
Other names: c.2027A>G (NM_005559.3); short protein forms N676S.
Identifiers: ClinVar variation 1956067 (VCV001956067.5), dbSNP rs1274335199, ClinGen allele CA401830065.
Genomic context (GRCh38, chr18:7,034,503, plus strand): 5'-TTCACCGTAAGTTTTTCCTCCATTTTCAATACATACCTGTAAAGAGCCATTTTTGCAGAA[T>C]TGTAGTTGGCTCTGATCAAAAGATGTGTCACATTGGCAAGGACAGTCATCAGCTGGTCAC-3'
Protein context (NP_005550.2, residues 666-686): VTHLLIRANY[Asn676Ser]SAKMALYRLE